The following is an entry in ClinVar:

NM_022124.6(CDH23):c.2782C>T (p.Arg928Cys)

Gene: CDH23 (cadherin related 23; plus strand). Cytogenetic location: 10q22.1.
Variant type: single nucleotide variant.
Coding change: c.2782C>T on transcript NM_022124.6 (MANE Select); coding-DNA position 2782, C replaced by T.
Protein change: p.Arg928Cys; replaces arginine 928 with cysteine.
Molecular consequence: missense variant.
Genome position (GRCh38, 1-based): chr10:71,704,959, C>T. VCF-style: chr10-71704959-C-T. GRCh37 (hg19) VCF-style: chr10-73464716-C-T.
Other names: c.2782C>T, p.Arg928Cys (NM_001171930.2, NM_001171931.2); short protein forms R928C.
Identifiers: ClinVar variation 1195937 (VCV001195937.6), dbSNP rs775017408, ClinGen allele CA5544338.

ClinVar aggregate classification (germline): Uncertain significance. Review status: criteria provided, multiple submitters, no conflicts (2 of 4 stars). 3 submissions from 2 submitters: Uncertain significance (3). Last evaluated 2022-06-04.

Conditions:
Autosomal recessive nonsyndromic hearing loss 12. Also called: DEAFNESS, AUTOSOMAL RECESSIVE 12. Identifiers: Orphanet 90636, MedGen C1832394, MONDO:0011067, OMIM 601386.
Usher syndrome type 1D (USH1D). Also called: USHER SYNDROME, TYPE ID. Identifiers: Orphanet 231169, Orphanet 886, MedGen C1832845, MONDO:0010984, OMIM 601067.

Allele frequency attached by ClinVar (database versions not stated): ExAC 0.00001; gnomAD 0.00001; gnomAD exomes 0.00001; TOPMed 0.00001.
gnomAD v4.1: 9 of 1,612,798 alleles (0.00056%); highest among the groups gnomAD compares: African/African-American, 0.0027%; no homozygotes.

Submissions (3):

Labcorp Genetics (formerly Invitae), Labcorp
Classification: Uncertain significance. Last evaluated: 2022-06-04. Review status: criteria provided, single submitter. Criteria: Invitae Variant Classification Sherloc (09022015). Collection method: clinical testing. Allele origin: germline.
Comment: This sequence change replaces arginine, which is basic and polar, with cysteine, which is neutral and slightly polar, at codon 928 of the CDH23 protein (p.Arg928Cys). This variant is present in population databases (rs775017408, gnomAD 0.003%). This variant has not been reported in the literature in individuals affected with CDH23-related conditions. ClinVar contains an entry for this variant (Variation ID: 1195937). Algorithms developed to predict the effect of missense changes on protein structure and function are either unavailable or do not agree on the potential impact of this missense change (SIFT: "Deleterious"; PolyPhen-2: "Not Available"; Align-GVGD: "Class C65"). In summary, the available evidence is currently insufficient to determine the role of this variant in disease. Therefore, it has been classified as a Variant of Uncertain Significance.

Genome-Nilou Lab
Classification: Uncertain significance for Autosomal recessive nonsyndromic hearing loss 12. Last evaluated: 2021-07-14. Review status: criteria provided, single submitter. Criteria: ACMG Guidelines, 2015. Collection method: clinical testing. Allele origin: germline. Affected: no.

Genome-Nilou Lab
Classification: Uncertain significance for Usher syndrome type 1D. Last evaluated: 2021-07-14. Review status: criteria provided, single submitter. Criteria: ACMG Guidelines, 2015. Collection method: clinical testing. Allele origin: germline. Affected: no.